The following is an entry in ClinVar:

ClinVar aggregate classification (germline): Uncertain significance (1 of 4 stars; one submission).

Conditions:
Neurodevelopmental disorder with or without hyperkinetic movements and seizures, autosomal dominant. Also called: Intellectual disability, autosomal dominant 8. Identifiers: MedGen C3280282, MONDO:0013655, OMIM 614254.

Submission:

Labcorp Genetics (formerly Invitae), Labcorp
Classification: Uncertain significance for Neurodevelopmental disorder with or without hyperkinetic movements and seizures, autosomal dominant. Last evaluated: 2024-03-17. Review status: criteria provided, single submitter. Criteria: Invitae Variant Classification Sherloc (09022015). Collection method: clinical testing. Allele origin: germline.
Comment: This sequence change replaces glutamic acid, which is acidic and polar, with glycine, which is neutral and non-polar, at codon 387 of the GRIN1 protein (p.Glu387Gly). This variant is not present in population databases (gnomAD no frequency). This variant has not been reported in the literature in individuals affected with GRIN1-related conditions. Advanced modeling of protein sequence and biophysical properties (such as structural, functional, and spatial information, amino acid conservation, physicochemical variation, residue mobility, and thermodynamic stability) has been performed at Invitae for this missense variant, however the output from this modeling did not meet the statistical confidence thresholds required to predict the impact of this variant on GRIN1 protein function. In summary, the available evidence is currently insufficient to determine the role of this variant in disease. Therefore, it has been classified as a Variant of Uncertain Significance.

NM_007327.4(GRIN1):c.1160A>G (p.Glu387Gly)

Gene: GRIN1 (glutamate ionotropic receptor NMDA type subunit 1; plus strand). Cytogenetic location: 9q34.3.
Variant type: single nucleotide variant.
Coding change: c.1160A>G on transcript NM_007327.4 (MANE Select); coding-DNA position 1160, A replaced by G.
Protein change: p.Glu387Gly; replaces glutamic acid 387 with glycine.
Molecular consequence: missense variant.
Genome position (GRCh38, 1-based): chr9:137,158,667, A>G. VCF-style: chr9-137158667-A-G. GRCh37 (hg19) VCF-style: chr9-140053119-A-G.
Other names: c.1160A>G, p.Glu387Gly (NM_000832.7, NM_021569.4); c.1223A>G, p.Glu408Gly (NM_001185090.2, NM_001185091.2); short protein forms E387G, E408G.
Identifiers: ClinVar variation 3619725 (VCV003619725.2).
Genomic context (GRCh38, chr9:137,158,667, plus strand): 5'-ACTCCCACCCCCAGGTCATCCCTAATGACAGGAAGATCATCTGGCCAGGCGGAGAGACAG[A>G]GAAGCCTCGAGGGTACCAGATGTCCACCAGACTGAAGGTGGGGGCCCCACAGACCTCCCT-3'
Protein context (NP_015566.1, residues 377-397): RKIIWPGGET[Glu387Gly]KPRGYQMSTR